The following is an entry in ClinVar:

NM_000018.4(ACADVL):c.682A>G (p.Ile228Val)

Gene: ACADVL (acyl-CoA dehydrogenase very long chain; plus strand). Cytogenetic location: 17p13.1.
Variant type: single nucleotide variant.
Coding change: c.682A>G on transcript NM_000018.4 (MANE Select); coding-DNA position 682, A replaced by G.
Protein change: p.Ile228Val; replaces isoleucine 228 with valine.
Molecular consequence: missense variant.
Genome position (GRCh38, 1-based): chr17:7,222,011, A>G. VCF-style: chr17-7222011-A-G. GRCh37 (hg19) VCF-style: chr17-7125330-A-G.
Other names: c.616A>G, p.Ile206Val (NM_001033859.3); c.751A>G, p.Ile251Val (NM_001270447.2); c.454A>G, p.Ile152Val (NM_001270448.2); short protein forms I228V, I152V, I206V, I251V.
Identifiers: ClinVar variation 1515245 (VCV001515245.8), dbSNP rs2071254536, ClinGen allele CA397723457.
Genomic context (GRCh38, chr17:7,222,011, plus strand): 5'-GGGGAGACTGTGGCCGCTTTCTGTCTAACCGAGCCCTCAAGCGGGTCAGATGCAGCCTCC[A>G]TCCGAACCTCTGCTGTGCCCAGCCCCTGTGGAAAATACTATACCCTCAATGGAAGCAAGC-3'
Protein context (NP_000009.1, residues 218-238): EPSSGSDAAS[Ile228Val]RTSAVPSPCG

ClinVar aggregate classification (germline): Uncertain significance (1 of 4 stars; one submission).

Conditions:
Very long chain acyl-CoA dehydrogenase deficiency (ACADVLD). Also called: Very Long-Chain Acyl-Coenzyme A Dehydrogenase Deficiency; VLCAD Deficiency. Identifiers: Orphanet 26793, MedGen C3887523, MONDO:0008723, OMIM 201475.

Submission:

Labcorp Genetics (formerly Invitae), Labcorp
Classification: Uncertain significance for Very long chain acyl-CoA dehydrogenase deficiency. Last evaluated: 2022-10-18. Review status: criteria provided, single submitter. Criteria: Invitae Variant Classification Sherloc (09022015). Collection method: clinical testing. Allele origin: germline.
Comment: In summary, the available evidence is currently insufficient to determine the role of this variant in disease. Therefore, it has been classified as a Variant of Uncertain Significance. Advanced modeling of protein sequence and biophysical properties (such as structural, functional, and spatial information, amino acid conservation, physicochemical variation, residue mobility, and thermodynamic stability) performed at Invitae indicates that this missense variant is expected to disrupt ACADVL protein function. ClinVar contains an entry for this variant (Variation ID: 1515245). This variant has not been reported in the literature in individuals affected with ACADVL-related conditions. This variant is not present in population databases (gnomAD no frequency). This sequence change replaces isoleucine, which is neutral and non-polar, with valine, which is neutral and non-polar, at codon 228 of the ACADVL protein (p.Ile228Val).